The following is an entry in ClinVar:

ClinVar aggregate classification (germline): Pathogenic/Likely pathogenic. Review status: criteria provided, multiple submitters, no conflicts (2 of 4 stars). 3 submissions from 3 submitters: Pathogenic (1); Likely pathogenic (2). Last evaluated 2025-09-23.

Conditions:
Sandhoff disease. Also called: GM2-GANGLIOSIDOSIS, TYPE II; Beta-hexosaminidase-beta-subunit deficiency; GM2 gangliosidosis, type 2; Total hexosaminidase deficiency; Sandhoff-Jatzkewitz-Pilz disease; HEXOSAMINIDASES A AND B DEFICIENCY. Identifiers: Orphanet 796, MedGen C0036161, MONDO:0010006, OMIM 268800.

Allele frequency attached by ClinVar (database versions not stated): gnomAD exomes below 0.00001; TOPMed below 0.00001.

Submissions (3):

Natera, Inc.
Classification: Likely pathogenic for Sandhoff disease. Last evaluated: 2025-09-23. Review status: criteria provided, single submitter. Criteria: Natera Variant Classification Schema (03/2026). Collection method: clinical testing. Allele origin: germline.
Comment: The c.1082G>A variant in HEXB is a nonsense variant predicted to introduce a stop codon at amino acid 361. This variant is expected to result in nonsense mediated decay, truncation, or a dysfunctional protein product. This variant is rare in the general population with a frequency below the threshold expected for the associated phenotype(s). Given the available evidence, this variant is classified as Likely Pathogenic.

Labcorp Genetics (formerly Invitae), Labcorp
Classification: Pathogenic for Sandhoff disease. Last evaluated: 2023-08-03. Review status: criteria provided, single submitter. Criteria: Invitae Variant Classification Sherloc (09022015). Collection method: clinical testing. Allele origin: germline.
Comment: This variant is present in population databases (no rsID available, gnomAD 0.004%). This sequence change creates a premature translational stop signal (p.Trp361*) in the HEXB gene. It is expected to result in an absent or disrupted protein product. Loss-of-function variants in HEXB are known to be pathogenic (PMID: 7550345, 18758829). This variant has not been reported in the literature in individuals affected with HEXB-related conditions. ClinVar contains an entry for this variant (Variation ID: 984368). Algorithms developed to predict the effect of sequence changes on RNA splicing suggest that this variant may disrupt the consensus splice site. For these reasons, this variant has been classified as Pathogenic.

Myriad Genetics, Inc.
Classification: Likely pathogenic for Sandhoff disease. Last evaluated: 2020-03-11. Review status: criteria provided, single submitter. Criteria: Myriad Women's Health Autosomal Recessive and X-Linked Classification Criteria (2019). Collection method: clinical testing. Allele origin: unknown.
Comment: NM_000521.3(HEXB):c.1082G>A(W361*) is expected to be pathogenic in the context of Sandhoff disease. This variant is predicted to lead to an abnormal or absent protein product due to the creation of a premature termination codon in HEXB, a gene where loss-of-function variants are known to be pathogenic. Please note: this variant was assessed in the context of healthy population screening.

Literature cited by the submitters: PubMed 7550345 (cited by Labcorp Genetics (formerly Invitae), Labcorp); PubMed 18758829 (cited by Labcorp Genetics (formerly Invitae), Labcorp).

NM_000521.4(HEXB):c.1082G>A (p.Trp361Ter)

Gene: HEXB (hexosaminidase subunit beta; plus strand). Cytogenetic location: 5q13.3.
Variant type: single nucleotide variant.
Coding change: c.1082G>A on transcript NM_000521.4 (MANE Select); coding-DNA position 1082, G replaced by A.
Protein change: p.Trp361Ter; replaces tryptophan 361 with a stop codon.
Molecular consequence: nonsense.
Genome position (GRCh38, 1-based): chr5:74,715,690, G>A. VCF-style: chr5-74715690-G-A. GRCh37 (hg19) VCF-style: chr5-74011515-G-A.
Other names: c.1082G>A (NM_000521.3); c.407G>A, p.Trp136Ter (NM_001292004.2); short protein forms W136*, W361*.
Identifiers: ClinVar variation 984368 (VCV000984368.7), dbSNP rs1361998528, ClinGen allele CA360068991.